The following is an entry in ClinVar:

NM_012092.4(ICOS):c.215G>T (p.Gly72Val)

Gene: ICOS (inducible T cell costimulator; plus strand). Cytogenetic location: 2q33.2.
Variant type: single nucleotide variant.
Coding change: c.215G>T on transcript NM_012092.4 (MANE Select); coding-DNA position 215, G replaced by T.
Protein change: p.Gly72Val; replaces glycine 72 with valine.
Molecular consequence: missense variant.
Genome position (GRCh38, 1-based): chr2:203,955,792, G>T. VCF-style: chr2-203955792-G-T. GRCh37 (hg19) VCF-style: chr2-204820515-G-T.
Other names: short protein forms G72V.
Identifiers: ClinVar variation 3723394 (VCV003723394.2).

ClinVar aggregate classification (germline): Uncertain significance (1 of 4 stars; one submission).

Conditions:
Immunodeficiency, common variable, 1. Also called: ANTIBODY DEFICIENCY DUE TO ICOS DEFECT. Identifiers: Orphanet 1572, Orphanet 695183, MedGen C3149378, MONDO:0011864, OMIM 607594.

Submission:

Labcorp Genetics (formerly Invitae), Labcorp
Classification: Uncertain significance for Immunodeficiency, common variable, 1. Last evaluated: 2024-10-21. Review status: criteria provided, single submitter. Criteria: Invitae Variant Classification Sherloc (09022015). Collection method: clinical testing. Allele origin: germline.
Comment: This sequence change replaces glycine, which is neutral and non-polar, with valine, which is neutral and non-polar, at codon 72 of the ICOS protein (p.Gly72Val). This variant is not present in population databases (gnomAD no frequency). This variant has not been reported in the literature in individuals affected with ICOS-related conditions. An algorithm developed to predict the effect of missense changes on protein structure and function (PolyPhen-2) suggests that this variant is likely to be disruptive. In summary, the available evidence is currently insufficient to determine the role of this variant in disease. Therefore, it has been classified as a Variant of Uncertain Significance.